The following is an entry in ClinVar:

ClinVar aggregate classification (germline): Pathogenic (1 of 4 stars; one submission).

Conditions:
LAMB2-related infantile-onset nephrotic syndrome. Also called: NEPHROTIC SYNDROME, TYPE 5, WITHOUT OCULAR ABNORMALITIES; NEPHROTIC SYNDROME, TYPE 5, WITH OCULAR ABNORMALITIES; Nephrotic Syndrome, type 5. Identifiers: Orphanet 306507, MedGen C3280113, MONDO:0013621, OMIM 614199.
Pierson syndrome. Also called: MICROCORIA-CONGENITAL NEPHROTIC SYNDROME. Identifiers: Orphanet 2670, MedGen C1836876, MONDO:0012184, OMIM 609049.

Submission:

Labcorp Genetics (formerly Invitae), Labcorp
Classification: Pathogenic for LAMB2-related infantile-onset nephrotic syndrome; Pierson syndrome. Last evaluated: 2022-07-19. Review status: criteria provided, single submitter. Criteria: Invitae Variant Classification Sherloc (09022015). Collection method: clinical testing. Allele origin: unknown.
Comment: This variant results in a copy number gain of the genomic region encompassing exon(s) 16-22 and part of exons 15 and 23 of the LAMB2 gene. This copy number gain occurs in tandem (c.1925_3347dup) and is predicted to be out-of-frame, and may result in an absent or disrupted protein product. Loss-of-function variants in LAMB2 are known to be pathogenic (PMID: 15367484). This variant has not been reported in the literature in individuals affected with LAMB2-related conditions. A similar copy number gain has been confirmed to occur in-tandem in at least one individual (Invitae). This increases the likelihood that this variant disrupts protein function. For these reasons, this variant has been classified as Pathogenic.

Literature cited by the submitters: PubMed 15367484.

NC_000003.11:g.(?_49161700)_(49165984_?)dup

Gene: LAMB2 (laminin subunit beta 2; minus strand). Cytogenetic location: 3p21.31.
Variant type: Duplication.
Identifiers: ClinVar variation 3246917 (VCV003246917.1).